The following is an entry in ClinVar:

NM_174901.6(FAM9C):c.183-10T>C

Gene: FAM9C (family with sequence similarity 9 member C; minus strand). Cytogenetic location: Xp22.2.
Variant type: single nucleotide variant.
Coding change: c.183-10T>C on transcript NM_174901.6 (MANE Select); 10 bases into the intron before coding-DNA position 183, T replaced by C.
Molecular consequence: intron variant.
Genome position (GRCh38, 1-based): chrX:13,042,959, A>G on the plus strand (T>C on the coding strand, the complement: FAM9C is on the minus strand). VCF-style: chrX-13042959-A-G. GRCh37 (hg19) VCF-style: chrX-13061078-A-G.
Identifiers: ClinVar variation 387318 (VCV000387318.1), dbSNP rs1057522761, ClinGen allele CA16608273.
Genomic context (GRCh38, chrX:13,042,959, plus strand): 5'-AATAGCTCGTAAAACATACCTGCAATATCTTCTAGCTCCTTGGTATCAACCCTGTAACAA[A>G]AAGTTGCAACACAATTTTAACATAATGCTACACAAAAGGCCTTGTTTGTTGGGAAGAAAT-3'

ClinVar aggregate classification (germline): Likely benign (1 of 4 stars; one submission).

Allele frequency attached by ClinVar (database versions not stated): gnomAD exomes below 0.00001 and 0.00001; gnomAD 0.00002; TOPMed 0.00003.
gnomAD v4.1: 3 of 1,182,082 alleles (0.00025%); highest among the groups gnomAD compares: African/African-American, 0.0054%; no homozygotes.

Submission:

GeneDx
Classification: Likely benign. Last evaluated: 2016-06-23. Review status: criteria provided, single submitter. Criteria: GeneDx Variant Classification (06012015). Collection method: clinical testing. Allele origin: germline. Affected: yes.
Comment: This variant is considered likely benign or benign based on one or more of the following criteria: it is a conservative change, it occurs at a poorly conserved position in the protein, it is predicted to be benign by multiple in silico algorithms, and/or has population frequency not consistent with disease.